The following is an entry in ClinVar:

ClinVar aggregate classification (germline): Uncertain significance (1 of 4 stars; one submission).

Conditions:
Familial adenomatous polyposis 1 (FAP1). Also called: FAMILIAL ADENOMATOUS POLYPOSIS 1, ATTENUATED; POLYPOSIS, ADENOMATOUS INTESTINAL. Identifiers: MedGen C2713442, MONDO:0021056, OMIM 175100. Disease mechanism: loss of function.

Submission:

Labcorp Genetics (formerly Invitae), Labcorp
Classification: Uncertain significance for Familial adenomatous polyposis 1. Last evaluated: 2022-10-24. Review status: criteria provided, single submitter. Criteria: Invitae Variant Classification Sherloc (09022015). Collection method: clinical testing. Allele origin: germline.
Comment: This variant has not been reported in the literature in individuals affected with APC-related conditions. In summary, the available evidence is currently insufficient to determine the role of this variant in disease. Therefore, it has been classified as a Variant of Uncertain Significance. Experimental studies and prediction algorithms are not available or were not evaluated, and the functional significance of this variant is currently unknown. This variant is not present in population databases (gnomAD no frequency). This variant occurs in a non-coding region of the APC gene. It does not change the encoded amino acid sequence of the APC protein.

NC_000005.10:g.112707350C>T

Gene: APC (APC regulator of Wnt signaling pathway; plus strand). Cytogenetic location: 5q22.2.
Variant type: single nucleotide variant.
Genome position: GRCh38 VCF-style: chr5-112707350-C-T. GRCh37 (hg19) VCF-style: chr5-112043047-C-T.
Identifiers: ClinVar variation 1003352 (VCV001003352.10), dbSNP rs1750550790, ClinGen allele CA1573442188.